The following is an entry in ClinVar:

ClinVar aggregate classification (germline): Likely benign (0 of 4 stars; one submission).

Conditions:
SFTPA2-related disorder. Also called: SFTPA2-related condition.

Allele frequency attached by ClinVar (database versions not stated): gnomAD exomes 0.00003; ExAC 0.00007; gnomAD 0.00009; TOPMed 0.00010; 1000 Genomes Project 30x 0.00016; 1000 Genomes Project 0.00020.
gnomAD v4.1: 69 of 1,613,704 alleles (0.0043%); highest among the groups gnomAD compares: East Asian, 0.036%; no homozygotes.

Submission:

PreventionGenetics, part of Exact Sciences
Classification: Likely benign for SFTPA2-related condition. Last evaluated: 2019-09-12. Review status: no assertion criteria provided. Collection method: clinical testing. Allele origin: germline.
Comment: This variant is classified as likely benign based on ACMG/AMP sequence variant interpretation guidelines (Richards et al. 2015 PMID: 25741868, with internal and published modifications).

NM_001098668.4(SFTPA2):c.99C>T (p.Pro33=)

Gene: SFTPA2 (surfactant protein A2; minus strand). Cytogenetic location: 10q22.3.
Variant type: single nucleotide variant.
Coding change: c.99C>T on transcript NM_001098668.4 (MANE Select); coding-DNA position 99, C replaced by T.
Protein change: p.Pro33=; no amino-acid change (proline 33 retained).
Molecular consequence: synonymous variant.
Genome position (GRCh38, 1-based): chr10:79,559,385, G>A on the plus strand (C>T on the coding strand, the complement: SFTPA2 is on the minus strand). VCF-style: chr10-79559385-G-A. GRCh37 (hg19) VCF-style: chr10-81319141-G-A.
Other names: c.99C>T, p.Pro33= (NM_001320813.2); c.129C>T, p.Pro43= (NM_001320814.1).
Identifiers: ClinVar variation 3041127 (VCV003041127.2), dbSNP rs187488613, ClinGen allele CA5574212.
Genomic context (GRCh38, chr10:79,559,385, plus strand): 5'-GTCTCCTTTGACACCATCTCTCCCGTCCCTGCCTGGCAGGCCGTGGGATCCAGGAGTGCC[G>A]GGGATACCAGGGCTTCCAACACAAACGTCCTTCACTTCGCACGCAGCACCAGAGGCTGCC-3'
Protein context (NP_001092138.1, residues 23-43): KDVCVGSPGI[Pro33=]GTPGSHGLPG